The following is an entry in ClinVar:

ClinVar aggregate classification (germline): Uncertain significance (1 of 4 stars; one submission).

Conditions:
Cardiovascular phenotype. Identifiers: MedGen CN230736.

Allele frequency attached by ClinVar (database versions not stated): TOPMed below 0.00001.
gnomAD v4.1: 16 of 1,538,078 alleles (0.001%); highest among the groups gnomAD compares: Middle Eastern, 0.042%; no homozygotes.

Submission:

Ambry Genetics
Classification: Uncertain significance for Cardiovascular phenotype. Last evaluated: 2023-10-27. Review status: criteria provided, single submitter. Criteria: Ambry Variant Classification Scheme 2023. Collection method: clinical testing. Allele origin: germline.
Comment: The p.G3275A variant (also known as c.9824G>C), located in coding exon 2 of the ZNF469 gene, results from a G to C substitution at nucleotide position 9824. The glycine at codon 3275 is replaced by alanine, an amino acid with similar properties. This amino acid position is conserved. In addition, this alteration is predicted to be tolerated by in silico analysis. Since supporting evidence is limited at this time, the clinical significance of this alteration remains unclear.

NM_001367624.2(ZNF469):c.9908G>C (p.Gly3303Ala)

Gene: ZNF469 (zinc finger protein 469; plus strand). Cytogenetic location: 16q24.2.
Variant type: single nucleotide variant.
Coding change: c.9908G>C on transcript NM_001367624.2 (MANE Select); coding-DNA position 9908, G replaced by C.
Protein change: p.Gly3303Ala; replaces glycine 3303 with alanine.
Molecular consequence: missense variant.
Genome position (GRCh38, 1-based): chr16:88,437,378, G>C. VCF-style: chr16-88437378-G-C. GRCh37 (hg19) VCF-style: chr16-88503786-G-C.
Other names: NM_001127464.1:c.9824G>C; short protein forms G3303A.
Identifiers: ClinVar variation 3232892 (VCV003232892.1), dbSNP rs1258862531, ClinGen allele CA397125083.
Genomic context (GRCh38, chr16:88,437,378, plus strand): 5'-ACGGGGCCGCGACCCCAGACAGCGCCTCTGCCACCGCCCTGGCTGACGCCGGCAGCCCGG[G>C]CCCCCCCAGGACGACCCCCAGCCCGTCCCCCGACCCCTGGGCCGGCGGGGAGCCCCTCCT-3'
Protein context (NP_001354553.1, residues 3293-3313): ATALADAGSP[Gly3303Ala]PPRTTPSPSP